The following is an entry in ClinVar:

ClinVar aggregate classification (germline): Conflicting classifications of pathogenicity. Review status: criteria provided, conflicting classifications (1 of 4 stars). 4 submissions from 4 submitters: Uncertain significance (2); Likely benign (2). Last evaluated 2025-05-21.

Conditions:
Hereditary breast ovarian cancer syndrome. Also called: Hereditary breast and ovarian cancer syndrome; Hereditary breast and ovarian cancer; Hereditary breast and ovarian cancer syndrome (HBOC); Hereditary breast and/or ovarian cancer syndrome; Breast and ovarian cancer; BRCA1- and BRCA2-Associated Hereditary Breast and Ovarian Cancer. Identifiers: Orphanet 145, MedGen C0677776, MeSH D061325, MONDO:0003582. Disease mechanism: loss of function.
Hereditary cancer-predisposing syndrome. Also called: Tumor predisposition; Hereditary Cancer Syndrome; Neoplastic Syndromes, Hereditary; Hereditary neoplastic syndrome. Identifiers: Orphanet 140162, MedGen C0027672, MeSH D009386, MONDO:0015356.

Allele frequency attached by ClinVar (database versions not stated): gnomAD 0.00001; TOPMed 0.00001.
gnomAD v4.1: 1 of 1,595,662 alleles (0.000063%); highest among the groups gnomAD compares: Non-Finnish European, 0.000085%; no homozygotes.

Submissions (4):

Labcorp Genetics (formerly Invitae), Labcorp
Classification: Uncertain significance for Hereditary breast ovarian cancer syndrome. Last evaluated: 2025-05-21. Review status: criteria provided, single submitter. Criteria: Invitae Variant Classification Sherloc (09022015). Collection method: clinical testing. Allele origin: germline.
Comment: This sequence change replaces phenylalanine, which is neutral and non-polar, with leucine, which is neutral and non-polar, at codon 498 of the BRCA2 protein (p.Phe498Leu). This variant is not present in population databases (gnomAD no frequency). This missense change has been observed in individual(s) with breast cancer (PMID: 34326862). ClinVar contains an entry for this variant (Variation ID: 1332208). Invitae Evidence Modeling of protein sequence and biophysical properties (such as structural, functional, and spatial information, amino acid conservation, physicochemical variation, residue mobility, and thermodynamic stability) indicates that this missense variant is not expected to disrupt BRCA2 protein function with a negative predictive value of 95%. In summary, the available evidence is currently insufficient to determine the role of this variant in disease. Therefore, it has been classified as a Variant of Uncertain Significance.

Ambry Genetics
Classification: Likely benign for Hereditary cancer-predisposing syndrome. Last evaluated: 2025-05-01. Review status: criteria provided, single submitter. Criteria: Ambry Variant Classification Scheme 2023. Collection method: clinical testing. Allele origin: germline.

University of Washington Department of Laboratory Medicine, University of Washington
Classification: Likely benign for Hereditary cancer-predisposing syndrome. Last evaluated: 2023-03-23. Review status: criteria provided, single submitter. Criteria: Dines et al. (Genet Med. 2020). Collection method: curation. Allele origin: germline.
Comment: Missense variant in a coldspot region where missense variants are very unlikely to be pathogenic (PMID:31911673).

BRCA2 exon 10 coldspot. Reclassification based on statistical prior probability.

Color Diagnostics, LLC DBA Color Health
Classification: Uncertain significance for Hereditary cancer-predisposing syndrome. Last evaluated: 2021-02-17. Review status: criteria provided, single submitter. Criteria: ACMG Guidelines, 2015. Collection method: clinical testing. Allele origin: germline.
Comment: This missense variant replaces phenylalanine with leucine at codon 498 of the BRCA2 protein. Computational prediction suggests that this variant may not impact protein structure and function (internally defined REVEL score threshold <= 0.5, PMID: 27666373). To our knowledge, functional studies have not been reported for this variant. This variant has not been reported in individuals affected with hereditary cancer in the literature. This variant has not been identified in the general population by the Genome Aggregation Database (gnomAD). The available evidence is insufficient to determine the role of this variant in disease conclusively. Therefore, this variant is classified as a Variant of Uncertain Significance.

Literature cited by the submitters: PubMed 34326862 (cited by Labcorp Genetics (formerly Invitae), Labcorp).

NM_000059.4(BRCA2):c.1494T>G (p.Phe498Leu)

Gene: BRCA2 (BRCA2 DNA repair associated; plus strand). Cytogenetic location: 13q13.1.
Variant type: single nucleotide variant.
Coding change: c.1494T>G on transcript NM_000059.4 (MANE Select); coding-DNA position 1494, T replaced by G.
Protein change: p.Phe498Leu; replaces phenylalanine 498 with leucine.
Molecular consequence: missense variant.
Genome position (GRCh38, 1-based): chr13:32,332,972, T>G. VCF-style: chr13-32332972-T-G. GRCh37 (hg19) VCF-style: chr13-32907109-T-G.
Other names: short protein forms F498L.
Identifiers: ClinVar variation 1332208 (VCV001332208.7), dbSNP rs900882465, ClinGen allele CA247497635.